The following is an entry in ClinVar:

ClinVar aggregate classification (germline): Uncertain significance (1 of 4 stars; one submission).

Conditions:
Hereditary cancer-predisposing syndrome. Also called: Hereditary Cancer Syndrome; Hereditary neoplastic syndrome; Neoplastic Syndromes, Hereditary; Tumor predisposition. Identifiers: Orphanet 140162, MedGen C0027672, MeSH D009386, MONDO:0015356.

Submission:

Ambry Genetics
Classification: Uncertain significance for Hereditary cancer-predisposing syndrome. Last evaluated: 2022-08-07. Review status: criteria provided, single submitter. Criteria: Ambry Variant Classification Scheme 2023. Collection method: clinical testing. Allele origin: germline.
Comment: The p.T33I variant (also known as c.98C>T), located in coding exon 1 of the AXIN2 gene, results from a C to T substitution at nucleotide position 98. The threonine at codon 33 is replaced by isoleucine, an amino acid with similar properties. This amino acid position is conserved. In addition, this alteration is predicted to be tolerated by in silico analysis. Since supporting evidence is limited at this time, the clinical significance of this alteration remains unclear.

NM_004655.4(AXIN2):c.98C>T (p.Thr33Ile)

Gene: AXIN2 (axin 2; minus strand). Cytogenetic location: 17q24.1.
Variant type: single nucleotide variant.
Coding change: c.98C>T on transcript NM_004655.4 (MANE Select); coding-DNA position 98, C replaced by T.
Protein change: p.Thr33Ile; replaces threonine 33 with isoleucine.
Molecular consequence: missense variant.
Genome position (GRCh38, 1-based): chr17:65,558,523, G>A on the plus strand (C>T on the coding strand, the complement: AXIN2 is on the minus strand). VCF-style: chr17-65558523-G-A. GRCh37 (hg19) VCF-style: chr17-63554641-G-A.
Other names: c.98C>T, p.Thr33Ile (NM_001363813.1); short protein forms T33I.
Identifiers: ClinVar variation 1768547 (VCV001768547.2), dbSNP rs771093792, ClinGen allele CA400682192.